The following is an entry in ClinVar:

NM_005267.5(GJA8):c.827C>T (p.Ser276Phe)

Gene: GJA8 (gap junction protein alpha 8; plus strand). Cytogenetic location: 1q21.2.
Variant type: single nucleotide variant.
Coding change: c.827C>T on transcript NM_005267.5 (MANE Select); coding-DNA position 827, C replaced by T.
Protein change: p.Ser276Phe; replaces serine 276 with phenylalanine.
Molecular consequence: missense variant.
Genome position (GRCh38, 1-based): chr1:147,908,782, C>T. VCF-style: chr1-147908782-C-T. GRCh37 (hg19) VCF-style: chr1-147380909-C-T.
Other names: short protein forms S276F.
Identifiers: ClinVar variation 427758 (VCV000427758.4), dbSNP rs45619342, ClinGen allele CA29941344.

ClinVar aggregate classification (germline): Uncertain significance. Review status: criteria provided, single submitter (1 of 4 stars). 2 submissions from 2 submitters: Uncertain significance (1). 1 of the submissions does not count toward it. Last evaluated 2023-01-21.

Conditions:
Cataract 1 multiple types. Also called: CATARACT 1, NUCLEAR PROGRESSIVE; CATARACT 1 WITH MICROCORNEA; CATARACT 1, POSTERIOR SUBCAPSULAR, WITH MICROCORNEA; CATARACT 1, STELLATE NUCLEAR, WITH MICROCORNEA; CATARACT, DUFFY-LINKED; CATARACT 1, MULTIPLE TYPES, WITH OR WITHOUT MICROCORNEA. Identifiers: Orphanet 1377, MedGen C1861828, MONDO:0007285, OMIM 116200.

Submissions (2):

Dept. Genetics and Cancer, Menzies Institute for Medical Research, University of Tasmania
Classification: Uncertain significance for Cataract 1 multiple types. Last evaluated: 2023-01-21. Review status: criteria provided, single submitter. Criteria: ACMG Guidelines, 2015. Collection method: curation. Allele origin: germline. Affected: yes.
Comment: Variant identified and curated during a GJA8 specific review of the literature in relation to pediatric or congenital cataract. ACMG-AMP criteria applied: PP1(Moderate), PM2(Supporting). Original variant report: PMID:18334966. The cataract phenotype reported for this variant is: Pulverulent nuclear. Gene review and curation guidelines are outlined in: DOI 10.1080/17469899.2023.2160320

Zheng Lab, Zhongnan Hospital of Wuhan University
Classification: Pathogenic for Cataract 1 multiple types. Last evaluated: 2008-02-01. Review status: no assertion criteria provided. Collection method: research. Allele origin: germline. Inheritance: Autosomal dominant inheritance. Affected: yes. Observed: 1 variant allele, 1 heterozygote. Not counted in ClinVar's aggregate classification.
Comment: S276F (c. 827C>T) mutation in the connexin 50 gene was found in a Chinese five-generation family with the pulverulent nuclear cataract. This mutation was segregated with the phenotype of 10 affected family members who participated in this study. The fetal nucleus and the embryonal nucleus both displayed white granular opacities.

Literature cited by the submitters: PubMed 18334966 (cited by Dept. Genetics and Cancer, Menzies Institute for Medical Research, University of Tasmania and Zheng Lab, Zhongnan Hospital of Wuhan University).